The following is an entry in ClinVar:

ClinVar aggregate classification (germline): Uncertain significance. Review status: criteria provided, multiple submitters, no conflicts (2 of 4 stars). 2 submissions from 2 submitters: Uncertain significance (2). Last evaluated 2023-07-22.

Conditions:
Inborn genetic diseases. Identifiers: MedGen C0950123, MeSH D030342.
AFG2B-related disorder. Also called: AFG2B-related condition.

Submissions (2):

PreventionGenetics, part of Exact Sciences
Classification: Uncertain significance for AFG2B-related condition. Last evaluated: 2023-07-22. Review status: criteria provided, single submitter. Criteria: ACMG Guidelines, 2015. Collection method: clinical testing. Allele origin: germline.
Comment: The AFG2B c.1186_1188delCTT variant is predicted to result in an in-frame deletion (p.Leu396del). To our knowledge, this variant has not been reported in the literature or in a large population database, indicating this variant is rare. At this time, the clinical significance of this variant is uncertain due to the absence of conclusive functional and genetic evidence.

Ambry Genetics
Classification: Uncertain significance for Inborn genetic diseases. Last evaluated: 2023-05-06. Review status: criteria provided, single submitter. Criteria: Ambry Variant Classification Scheme 2023. Collection method: clinical testing. Allele origin: germline.
Comment: The c.1186_1188delCTT (p.L396del) alteration, located in coding exon 2 of the SPATA5L1 gene, results from an in-frame CTT deletion at nucleotide positions 1186 to 1188. This results in the deletion of a leucine residue at codon 396. This variant was not reported in population-based cohorts in the Genome Aggregation Database (gnomAD). This amino acid position is highly conserved in available vertebrate species. This alteration is predicted to be deleterious by in silico analysis (Choi, 2012). Based on insufficient or conflicting evidence, the clinical significance of this alteration remains unclear.

NM_024063.3(AFG2B):c.1183CTT[1] (p.Leu396del)

Gene: AFG2B (AFG2 AAA ATPase homolog B; plus strand). Cytogenetic location: 15q21.1.
Variant type: Microsatellite.
Coding change: c.1183CTT[1] on transcript NM_024063.3 (MANE Select); one copy of the 3-base unit CTT starting at c.1183; the reference has two copies in a row; one copy, 3 bases deleted.
Protein change: p.Leu396del; deletes leucine 396.
Molecular consequence: inframe deletion. On other transcripts: non-coding transcript variant (5).
Genome position (GRCh38, 1-based): chr15:45,405,416-45,405,418, CTT deleted; deleting any 3 consecutive bases within chr15:45,405,413-45,405,418 gives the same sequence; the position shown is the placement nearest the transcript's 3' end. VCF-style (leftmost placement, unchanged base first): chr15-45405412-CCTT-C. GRCh37 (hg19) VCF-style: chr15-45697610-CCTT-C.
Other names: c.1183CTT[1], p.Leu396del (NM_001323640.2); short protein forms L396del.
Identifiers: ClinVar variation 2570337 (VCV002570337.3), dbSNP rs1303954315, ClinGen allele CA713162508.